The following is an entry in ClinVar:

ClinVar aggregate classification (germline): Conflicting classifications of pathogenicity. Review status: criteria provided, conflicting classifications (1 of 4 stars). 4 submissions from 4 submitters: Uncertain significance (1); Likely benign (3). Last evaluated 2026-05-01.

Conditions:
Aortic aneurysm, familial thoracic 7 (AAT7). Also called: AORTIC DISSECTION, FAMILIAL, WITH OR WITHOUT AORTIC ANEURYSM. Identifiers: MedGen C3151077, MONDO:0013418, OMIM 613780.
Familial thoracic aortic aneurysm and aortic dissection (TAAD). Also called: Thoracic aortic aneurysms and dissections. Identifiers: Orphanet 91387, MedGen C4707243, MONDO:0019625.

Allele frequency attached by ClinVar (database versions not stated): gnomAD 0.00004; gnomAD exomes 0.00005 and 0.00008; TOPMed 0.00005; ExAC 0.00010.
gnomAD v4.1: 77 of 1,613,952 alleles (0.0048%); highest among the groups gnomAD compares: Admixed American, 0.01%; no homozygotes.

Submissions (4):

Women's Health and Genetics/Laboratory Corporation of America, LabCorp
Classification: Likely benign. Last evaluated: 2026-05-01. Review status: criteria provided, single submitter. Criteria: LabCorp Variant Classification Summary - May 2015. Collection method: clinical testing. Allele origin: germline.

Labcorp Genetics (formerly Invitae), Labcorp
Classification: Likely benign for Aortic aneurysm, familial thoracic 7. Last evaluated: 2025-12-21. Review status: criteria provided, single submitter. Criteria: Invitae Variant Classification Sherloc (09022015). Collection method: clinical testing. Allele origin: germline.

Ambry Genetics
Classification: Uncertain significance for Familial thoracic aortic aneurysm and aortic dissection. Last evaluated: 2025-09-10. Review status: criteria provided, single submitter. Criteria: Ambry Variant Classification Scheme 2023. Collection method: clinical testing. Allele origin: germline.
Comment: The p.V1328M variant (also known as c.3982G>A), located in coding exon 20 of the MYLK gene, results from a G to A substitution at nucleotide position 3982. The valine at codon 1328 is replaced by methionine, an amino acid with highly similar properties. This amino acid position is highly conserved in available vertebrate species. In addition, this alteration is predicted to be tolerated by in silico analysis. Since supporting evidence is limited at this time, the clinical significance of this alteration remains unclear.

Blueprint Genetics
Classification: Likely benign. Last evaluated: 2022-07-07. Review status: criteria provided, single submitter. Criteria: ACMG Guidelines, 2015. Collection method: clinical testing. Allele origin: germline.

NM_053025.4(MYLK):c.3982G>A (p.Val1328Met)

Gene: MYLK (myosin light chain kinase; minus strand). Cytogenetic location: 3q21.1.
Variant type: single nucleotide variant.
Coding change: c.3982G>A on transcript NM_053025.4 (MANE Select); coding-DNA position 3982, G replaced by A.
Protein change: p.Val1328Met; replaces valine 1328 with methionine.
Molecular consequence: missense variant.
Genome position (GRCh38, 1-based): chr3:123,664,108, C>T on the plus strand (G>A on the coding strand, the complement: MYLK is on the minus strand). VCF-style: chr3-123664108-C-T. GRCh37 (hg19) VCF-style: chr3-123382955-C-T.
Other names: c.3454G>A, p.Val1152Met (NM_001321309.2); c.3775G>A, p.Val1259Met (NM_053026.4, NM_053028.4); c.3982G>A, p.Val1328Met (NM_053027.4); short protein forms V1328M, V1152M, V1259M.
Identifiers: ClinVar variation 180444 (VCV000180444.55), dbSNP rs730880164, ClinGen allele CA024840.